The following is an entry in ClinVar:

ClinVar aggregate classification (germline): Conflicting classifications of pathogenicity. Review status: criteria provided, conflicting classifications (1 of 4 stars). 4 submissions from 4 submitters: Uncertain significance (1); Likely benign (3). Last evaluated 2025-06-01.

Conditions:
Ataxia-telangiectasia syndrome (AT). Also called: Ataxia-telangiectasia, complementation group E; Cerebello-oculocutaneous telangiectasia; Immunodeficiency with ataxia telangiectasia; Ataxia telangiectasia (A-T); LOUIS-BAR SYNDROME; ATAXIA-TELANGIECTASIA, COMPLEMENTATION GROUP A. Identifiers: Orphanet 100, MedGen C0004135, MONDO:0008840, OMIM 208900.
Familial cancer of breast. Also called: BREAST CANCER, FAMILIAL; hereditary breast carcinoma; Hereditary breast cancer. Identifiers: Orphanet 227535, MedGen C0346153, MONDO:0016419, OMIM 114480. Disease mechanism: loss of function.

gnomAD v4.1: 6 of 1,612,804 alleles (0.00037%); highest among the groups gnomAD compares: Non-Finnish European, 0.00051%; no homozygotes.

Submissions (4):

Labcorp Genetics (formerly Invitae), Labcorp
Classification: Likely benign for Ataxia-telangiectasia syndrome. Last evaluated: 2025-06-01. Review status: criteria provided, single submitter. Criteria: Invitae Variant Classification Sherloc (09022015). Collection method: clinical testing. Allele origin: germline.

Athena Diagnostics
Classification: Uncertain significance. Last evaluated: 2024-08-30. Review status: criteria provided, single submitter. Criteria: Athena Diagnostics Criteria. Collection method: clinical testing. Allele origin: unknown.
Comment: Available data are insufficient to determine the clinical significance of the variant at this time. This variant has not been reported in large, multi-ethnic general populations. Computational tools yielded predictions that this variant is unlikely to have an effect on normal RNA splicing.

Myriad Genetics, Inc.
Classification: Likely benign for Familial cancer of breast. Last evaluated: 2024-05-08. Review status: criteria provided, single submitter. Criteria: Myriad Autosomal Dominant, Autosomal Recessive and X-Linked Classification Criteria (2023). Collection method: clinical testing. Allele origin: unknown.
Comment: This variant is considered likely benign. This variant is intronic and is not expected to impact mRNA splicing.

Blueprint Genetics
Classification: Likely benign. Last evaluated: 2023-01-16. Review status: criteria provided, single submitter. Criteria: ACMG Guidelines, 2015. Collection method: clinical testing. Allele origin: germline.

NM_000051.4(ATM):c.2376+7T>C

Gene: ATM (ATM serine/threonine kinase; plus strand). Cytogenetic location: 11q22.3.
Variant type: single nucleotide variant.
Coding change: c.2376+7T>C on transcript NM_000051.4 (MANE Select); 7 bases into the intron after coding-DNA position 2376, T replaced by C.
Molecular consequence: intron variant.
Genome position (GRCh38, 1-based): chr11:108,257,613, T>C. VCF-style: chr11-108257613-T-C. GRCh37 (hg19) VCF-style: chr11-108128340-T-C.
Other names: c.2376+7T>C (NM_000051.3, NM_001351834.2).
Identifiers: ClinVar variation 2160934 (VCV002160934.7), dbSNP rs2135408560, ClinGen allele CA891842111.